The following is an entry in ClinVar:

NM_182972.3(IRF2BP2):c.958C>T (p.Pro320Ser)

Genes: IRF2BP2 (interferon regulatory factor 2 binding protein 2; minus strand), LOC129932810 (ATAC-STARR-seq lymphoblastoid active region 2760; plus strand). Cytogenetic location: 1q42.3.
Variant type: single nucleotide variant.
Coding change: c.958C>T on transcript NM_182972.3 (MANE Select); coding-DNA position 958, C replaced by T.
Protein change: p.Pro320Ser; replaces proline 320 with serine.
Molecular consequence: missense variant.
Genome position (GRCh38, 1-based): chr1:234,608,537, G>A on the plus strand (C>T on the coding strand, the complement: IRF2BP2 is on the minus strand). VCF-style: chr1-234608537-G-A. GRCh37 (hg19) VCF-style: chr1-234744283-G-A.
Other names: c.958C>T (NM_182972.2); c.958C>T, p.Pro320Ser (NM_001077397.1); short protein forms P320S.
Identifiers: ClinVar variation 2963052 (VCV002963052.4), dbSNP rs150398977, ClinGen allele CA1461714.

ClinVar aggregate classification (germline): Uncertain significance. Review status: criteria provided, multiple submitters, no conflicts (2 of 4 stars). 2 submissions from 2 submitters: Uncertain significance (2). Last evaluated 2025-10-21.

Allele frequency attached by ClinVar (database versions not stated): gnomAD exomes 0.00001; gnomAD 0.00002; ESP Exome Variant Server 0.00008; ExAC 0.00001; TOPMed 0.00002.

Submissions (2):

Labcorp Genetics (formerly Invitae), Labcorp
Classification: Uncertain significance. Last evaluated: 2025-10-21. Review status: criteria provided, single submitter. Criteria: Invitae Variant Classification Sherloc (09022015). Collection method: clinical testing. Allele origin: germline.
Comment: This sequence change replaces proline, which is neutral and non-polar, with serine, which is neutral and polar, at codon 320 of the IRF2BP2 protein (p.Pro320Ser). The frequency data for this variant in the population databases is considered unreliable, as metrics indicate poor data quality at this position in the gnomAD database. This variant has not been reported in the literature in individuals affected with IRF2BP2-related conditions. ClinVar contains an entry for this variant (Variation ID: 2963052). An algorithm developed to predict the effect of missense changes on protein structure and function (PolyPhen-2) suggests that this variant is likely to be disruptive. In summary, the available evidence is currently insufficient to determine the role of this variant in disease. Therefore, it has been classified as a Variant of Uncertain Significance.

Ambry Genetics
Classification: Uncertain significance. Last evaluated: 2024-05-14. Review status: criteria provided, single submitter. Criteria: Ambry Variant Classification Scheme 2023. Collection method: clinical testing. Allele origin: germline.